The following is an entry in ClinVar:

NM_145728.3(SYNM):c.2685G>A (p.Ala895=)

Gene: SYNM (synemin; plus strand). Cytogenetic location: 15q26.3.
Variant type: single nucleotide variant.
Coding change: c.2685G>A on transcript NM_145728.3 (MANE Select); coding-DNA position 2685, G replaced by A.
Protein change: p.Ala895=; no amino-acid change (alanine 895 retained).
Molecular consequence: synonymous variant.
Genome position (GRCh38, 1-based): chr15:99,131,045, G>A. VCF-style: chr15-99131045-G-A. GRCh37 (hg19) VCF-style: chr15-99671250-G-A.
Other names: c.2685G>A, p.Ala895= (NM_015286.6).
Identifiers: ClinVar variation 2645740 (VCV002645740.24), dbSNP rs376459305, ClinGen allele CA7753800.
Genomic context (GRCh38, chr15:99,131,045, plus strand): 5'-GAGGACACAGAAGGACGGTGCAGTGGGCGAGAAGGTTGTGAAGCCCTTGGATGTCCCAGC[G>A]CCCTCTCTGGAGGGGGACCTGGGTTCCACTCACTGGAAAGAACAAGCTAGAAGCGGTGAA-3'
Protein context (NP_663780.2, residues 885-905): EKVVKPLDVP[Ala895=]PSLEGDLGST

ClinVar aggregate classification (germline): Likely benign (1 of 4 stars; one submission).

Allele frequency attached by ClinVar (database versions not stated): TOPMed 0.00005; ExAC 0.00007; ESP Exome Variant Server 0.00008; gnomAD 0.00008.
gnomAD v4.1: 130 of 1,608,306 alleles (0.0081%); highest among the groups gnomAD compares: East Asian, 0.09%; no homozygotes.

Submission:

CeGaT Center for Human Genetics Tuebingen
Classification: Likely benign. Last evaluated: 2022-06-01. Review status: criteria provided, single submitter. Criteria: CeGaT Center For Human Genetics Tuebingen Variant Classification Criteria Version 2. Collection method: clinical testing. Allele origin: germline. Affected: yes. Observed: 1 variant allele.
Comment: SYNM: BP4, BP7